The following is an entry in ClinVar:

ClinVar aggregate classification (germline): Pathogenic (1 of 4 stars; one submission).

Submission:

GeneDx
Classification: Pathogenic. Last evaluated: 2018-11-01. Review status: criteria provided, single submitter. Criteria: GeneDx Variant Classification (06012015). Collection method: clinical testing. Allele origin: germline. Affected: yes.
Comment: The c.981_987delTAGCAACins11 variant in the PROM1 gene has not been reported previously as a pathogenic variant nor as a benign variant, to our knowledge. This variant causes a frameshift starting with codon Serine 328, changes this amino acid to a Tryptophan residue, and creates a premature Stop codon at position 5 of the new reading frame, denoted p.Ser328TrpfsX5. This variant is predicted to cause loss of normal protein function either through protein truncation or nonsense-mediated mRNA decay. The c.981_987delTAGCAACins11 variant is observed in 1/15,292 alleles from individuals of African background in large population cohorts (Lek et al., 2016). We interpret c.981_987delTAGCAACins11 as a pathogenic variant.

NM_006017.3(PROM1):c.981_987delinsCTGGCTTAGAG (p.Ser328fs)

Gene: PROM1 (prominin 1; minus strand). Cytogenetic location: 4p15.32.
Variant type: Indel.
Coding change: c.981_987delinsCTGGCTTAGAG on transcript NM_006017.3 (MANE Select); coding-DNA positions 981 to 987, TAGCAAC replaced by CTGGCTTAGAG.
Protein change: p.Ser328fs; shifts the reading frame from serine 328.
Molecular consequence: frameshift variant.
Genome position (GRCh38, 1-based): chr4:16,018,338-16,018,344, GTTGCTA replaced by CTCTAAGCCAG on the plus strand (TAGCAAC replaced by CTGGCTTAGAG on the coding strand, the reverse complement: PROM1 is on the minus strand). VCF-style: chr4-16018338-GTTGCTA-CTCTAAGCCAG. GRCh37 (hg19) VCF-style: chr4-16019961-GTTGCTA-CTCTAAGCCAG.
Other names: c.954_960delinsCTGGCTTAGAG, p.Ser319fs (NM_001145847.2, NM_001145848.2, NM_001145851.2 and 4 more transcripts); c.981_987delinsCTGGCTTAGAG, p.Ser328fs (NM_001145849.2, NM_001145850.2); short protein forms S319fs, S328fs.
Identifiers: ClinVar variation 817898 (VCV000817898.1), dbSNP rs1578054973, ClinGen allele CA915944130.